The following is an entry in ClinVar:

NM_005670.4(EPM2A):c.640C>G (p.Pro214Ala)

Gene: EPM2A (EPM2A glucan phosphatase, laforin; minus strand). Cytogenetic location: 6q24.3.
Variant type: single nucleotide variant.
Coding change: c.640C>G on transcript NM_005670.4 (MANE Select); coding-DNA position 640, C replaced by G.
Protein change: p.Pro214Ala; replaces proline 214 with alanine.
Molecular consequence: missense variant. On other transcripts: intron variant (1).
Genome position (GRCh38, 1-based): chr6:145,635,323, G>C on the plus strand (C>G on the coding strand, the complement: EPM2A is on the minus strand). VCF-style: chr6-145635323-G-C. GRCh37 (hg19) VCF-style: chr6-145956459-G-C.
Other names: c.640C>G, p.Pro214Ala (NM_001018041.2, NM_001368130.1); c.226C>G, p.Pro76Ala (NM_001360064.2, NM_001360071.2, NM_001368131.1); c.178C>G, p.Pro60Ala (NM_001368129.2, NM_001368132.1); c.477-7630C>G (NM_001360057.2); short protein forms P214A, P60A, P76A.
Identifiers: ClinVar variation 462932 (VCV000462932.8), dbSNP rs1278542056, ClinGen allele CA366191121.

ClinVar aggregate classification (germline): Uncertain significance (1 of 4 stars; one submission).

Conditions:
Progressive myoclonic epilepsy. Also called: Myoclonus epilepsy; Myoclonic Epilepsies, Progressive; Familial progressive myoclonic epilepsy; Progressive myoclonus epilepsy. Identifiers: Orphanet 308, Orphanet 98261, MedGen C0751778, MONDO:0020074.

Submission:

Labcorp Genetics (formerly Invitae), Labcorp
Classification: Uncertain significance for Progressive myoclonic epilepsy. Last evaluated: 2017-02-28. Review status: criteria provided, single submitter. Criteria: Invitae Variant Classification Sherloc (09022015). Collection method: clinical testing. Allele origin: germline.
Comment: This sequence change replaces proline with alanine at codon 214 of the EPM2A protein (p.Pro214Ala). The proline residue is highly conserved and there is a small physicochemical difference between proline and alanine. This variant is not present in population databases (ExAC no frequency) and has not been reported in the literature in individuals with a EPM2A-related disease. Algorithms developed to predict the effect of missense changes on protein structure and function output the following: SIFT: "Deleterious"; PolyPhen-2: "Possibly Damaging"; Align-GVGD: "Class C25". The alanine amino acid residue is found in multiple mammalian species, suggesting that this missense change does not adversely affect protein function. These predictions have not been confirmed by published functional studies. In summary, this variant is a novel missense change that is not predicted to affect protein function. There is no indication that it causes disease, but the available evidence is currently insufficient to prove that conclusively. Therefore, it has been classified as a Variant of Uncertain Significance.